The following is an entry in ClinVar:

ClinVar aggregate classification (germline): Uncertain significance. Review status: criteria provided, multiple submitters, no conflicts (2 of 4 stars). 3 submissions from 3 submitters: Uncertain significance (3). Last evaluated 2025-08-01.

Conditions:
Junctional epidermolysis bullosa, non-Herlitz type. Also called: EPIDERMOLYSIS BULLOSA JUNCTIONALIS, DISENTIS TYPE; EPIDERMOLYSIS BULLOSA JUNCTIONALIS, NON-HERLITZ TYPE; EPIDERMOLYSIS BULLOSA JUNCTIONALIS, PROGRESSIVE; EPIDERMOLYSIS BULLOSA JUNCTIONALIS, SEVERE NONLETHAL; Epidermolysis bullosa, junctional, non-herlitz type, somatic mosaic revertant; COL17A1-Related Junctional Epidermolysis Bullosa. Identifiers: Orphanet 251393, Orphanet 79402, Orphanet 79405, Orphanet 89840, MedGen C0268374, MONDO:0009180, OMIM 226650.
Inborn genetic diseases. Identifiers: MedGen C0950123, MeSH D030342.

Allele frequency attached by ClinVar (database versions not stated): gnomAD exomes 0.00008 and 0.00010; TOPMed 0.00008; gnomAD 0.00010 and 0.00013; ExAC 0.00012; ESP Exome Variant Server 0.00015; 1000 Genomes Project 0.00060.
gnomAD v4.1: 173 of 1,602,934 alleles (0.011%); highest among the groups gnomAD compares: East Asian, 0.049%; no homozygotes.

Submissions (3):

Ambry Genetics
Classification: Uncertain significance for Inborn genetic diseases. Last evaluated: 2025-08-01. Review status: criteria provided, single submitter. Criteria: Ambry Variant Classification Scheme 2023. Collection method: clinical testing. Allele origin: germline.

Labcorp Genetics (formerly Invitae), Labcorp
Classification: Uncertain significance. Last evaluated: 2025-06-15. Review status: criteria provided, single submitter. Criteria: Invitae Variant Classification Sherloc (09022015). Collection method: clinical testing. Allele origin: germline.
Comment: This sequence change replaces glycine, which is neutral and non-polar, with serine, which is neutral and polar, at codon 440 of the COL17A1 protein (p.Gly440Ser). The frequency data for this variant in the population databases is considered unreliable, as metrics indicate poor data quality at this position in the gnomAD database. This variant has not been reported in the literature in individuals affected with COL17A1-related conditions. ClinVar contains an entry for this variant (Variation ID: 878891). An algorithm developed to predict the effect of missense changes on protein structure and function outputs the following: PolyPhen-2: "Not Available". The serine amino acid residue is found in multiple mammalian species, which suggests that this missense change does not adversely affect protein function. In summary, the available evidence is currently insufficient to determine the role of this variant in disease. Therefore, it has been classified as a Variant of Uncertain Significance.

Illumina Laboratory Services, Illumina
Classification: Uncertain significance for Junctional epidermolysis bullosa, non-Herlitz type. Last evaluated: 2018-01-13. Review status: criteria provided, single submitter. Criteria: ICSL Variant Classification Criteria 13 December 2019. Collection method: clinical testing. Allele origin: germline.

NM_000494.4(COL17A1):c.1318G>A (p.Gly440Ser)

Gene: COL17A1 (collagen type XVII alpha 1 chain; minus strand). Cytogenetic location: 10q25.1.
Variant type: single nucleotide variant.
Coding change: c.1318G>A on transcript NM_000494.4 (MANE Select); coding-DNA position 1318, G replaced by A.
Protein change: p.Gly440Ser; replaces glycine 440 with serine.
Molecular consequence: missense variant.
Genome position (GRCh38, 1-based): chr10:104,057,122, C>T on the plus strand (G>A on the coding strand, the complement: COL17A1 is on the minus strand). VCF-style: chr10-104057122-C-T. GRCh37 (hg19) VCF-style: chr10-105816880-C-T.
Other names: short protein forms G440S.
Identifiers: ClinVar variation 878891 (VCV000878891.6), dbSNP rs139463731, ClinGen allele CA5679070.